The following is an entry in ClinVar:

NM_017617.5(NOTCH1):c.3002G>C (p.Gly1001Ala)

Gene: NOTCH1 (notch receptor 1; minus strand). Cytogenetic location: 9q34.3.
Variant type: single nucleotide variant.
Coding change: c.3002G>C on transcript NM_017617.5 (MANE Select); coding-DNA position 3002, G replaced by C.
Protein change: p.Gly1001Ala; replaces glycine 1001 with alanine.
Molecular consequence: missense variant.
Genome position (GRCh38, 1-based): chr9:136,509,039, C>G on the plus strand (G>C on the coding strand, the complement: NOTCH1 is on the minus strand). VCF-style: chr9-136509039-C-G. GRCh37 (hg19) VCF-style: chr9-139403491-C-G.
Other names: short protein forms G1001A.
Identifiers: ClinVar variation 5025806 (VCV005025806.1).

ClinVar aggregate classification (germline): Uncertain significance (1 of 4 stars; one submission).

Conditions:
Familial thoracic aortic aneurysm and aortic dissection (TAAD). Also called: Thoracic aortic aneurysms and dissections. Identifiers: Orphanet 91387, MedGen C4707243, MONDO:0019625.

Submission:

Ambry Genetics
Classification: Uncertain significance for Familial thoracic aortic aneurysm and aortic dissection. Last evaluated: 2026-07-24. Review status: criteria provided, single submitter. Criteria: Ambry Variant Classification Scheme 2023. Collection method: clinical testing. Allele origin: germline.
Comment: The p.G1001A variant (also known as c.3002G>C), located in coding exon 19 of the NOTCH1 gene, results from a G to C substitution at nucleotide position 3002. The glycine at codon 1001 is replaced by alanine, an amino acid with similar properties. This amino acid position is conserved. In addition, this alteration is predicted to be deleterious by in silico analysis. Based on the available evidence, the clinical significance of this variant remains unclear.